The following is an entry in ClinVar:

ClinVar aggregate classification (germline): Uncertain significance (1 of 4 stars; one submission).

Submission:

Ambry Genetics
Classification: Uncertain significance. Last evaluated: 2024-03-18. Review status: criteria provided, single submitter. Criteria: Ambry Variant Classification Scheme 2023. Collection method: clinical testing. Allele origin: germline.
Comment: The p.V2136D variant (also known as c.6407T>A), located in coding exon 21 of the POLQ gene, results from a T to A substitution at nucleotide position 6407. The valine at codon 2136 is replaced by aspartic acid, an amino acid with highly dissimilar properties. This amino acid position is conserved. In addition, this alteration is predicted to be deleterious by in silico analysis. Based on the available evidence, the clinical significance of this alteration remains unclear.

NM_199420.4(POLQ):c.6407T>A (p.Val2136Asp)

Gene: POLQ (DNA polymerase theta; minus strand). Cytogenetic location: 3q13.33.
Variant type: single nucleotide variant.
Coding change: c.6407T>A on transcript NM_199420.4 (MANE Select); coding-DNA position 6407, T replaced by A.
Protein change: p.Val2136Asp; replaces valine 2136 with aspartic acid.
Molecular consequence: missense variant.
Genome position (GRCh38, 1-based): chr3:121,473,486, A>T on the plus strand (T>A on the coding strand, the complement: POLQ is on the minus strand). VCF-style: chr3-121473486-A-T. GRCh37 (hg19) VCF-style: chr3-121192333-A-T.
Other names: short protein forms V2136D.
Identifiers: ClinVar variation 3308587 (VCV003308587.1).
Genomic context (GRCh38, chr3:121,473,486, plus strand): 5'-TTCTTGCTGCCTTGGTTTTTCATCTCTCTATTTGGGGGCAACTTCAATTCCAAAAATAAA[A>T]CCTGCAAGAAATTAATGTCTCTTTAGTCAAGAATGAAACTTGCAAGGATTATCATTCAGA-3'
Protein context (NP_955452.3, residues 2126-2146): SFTSSDDIAE[Val2136Asp]LFLELKLPPN